The following is an entry in ClinVar:

NM_007294.4(BRCA1):c.1942G>A (p.Glu648Lys)

Gene: BRCA1 (BRCA1 DNA repair associated; minus strand). Cytogenetic location: 17q21.31.
Variant type: single nucleotide variant.
Coding change: c.1942G>A on transcript NM_007294.4 (MANE Select); coding-DNA position 1942, G replaced by A.
Protein change: p.Glu648Lys; replaces glutamic acid 648 with lysine.
Molecular consequence: missense variant. On other transcripts: intron variant (137).
Genome position (GRCh38, 1-based): chr17:43,093,589, C>T on the plus strand (G>A on the coding strand, the complement: BRCA1 is on the minus strand). VCF-style: chr17-43093589-C-T. GRCh37 (hg19) VCF-style: chr17-41245606-C-T.
Other names: c.1801G>A, p.Glu601Lys (NM_001407851.1, NM_001407852.1, NM_001407692.1 and 29 more transcripts); c.1729G>A, p.Glu577Lys (NM_001407853.1, NM_001407571.1, NM_001407894.1 and 9 more transcripts); c.1939G>A, p.Glu647Lys (NM_001407861.1, NM_001407860.1, NM_001407587.1 and 22 more transcripts); c.1819G>A, p.Glu607Lys (NM_001407863.1, NM_001407648.1, NM_001407664.1 and 19 more transcripts); c.1942G>A, p.Glu648Lys (NM_001407859.1, NM_001407854.1, NM_001407858.1 and 30 more transcripts); c.1741G>A, p.Glu581Lys (NM_001407862.1); c.787+1155G>A (NM_001407979.1, NM_001407977.1, NM_001407982.1 and 19 more transcripts); c.646+1155G>A (NM_001408410.1, NM_001408458.1, NM_001408469.1 and 11 more transcripts); and 40 more; short protein forms E352K, E480K, E520K, E521K, E536K, E537K, E559K, E560K.
Identifiers: ClinVar variation 1721686 (VCV001721686.9), dbSNP rs886039984, ClinGen allele CA10598140.

ClinVar aggregate classification (germline): Conflicting classifications of pathogenicity. Review status: criteria provided, conflicting classifications (1 of 4 stars). 3 submissions from 3 submitters: Uncertain significance (2); Likely benign (1). Last evaluated 2025-08-21.

Conditions:
Hereditary cancer-predisposing syndrome. Also called: Hereditary neoplastic syndrome; Neoplastic Syndromes, Hereditary; Hereditary Cancer Syndrome; Tumor predisposition. Identifiers: Orphanet 140162, MedGen C0027672, MeSH D009386, MONDO:0015356.
Hereditary breast ovarian cancer syndrome. Also called: BRCA1- and BRCA2-Associated Hereditary Breast and Ovarian Cancer; Hereditary breast and ovarian cancer syndrome (HBOC); Hereditary breast and/or ovarian cancer syndrome; Hereditary breast and ovarian cancer syndrome; Hereditary breast and ovarian cancer; Breast and ovarian cancer. Identifiers: Orphanet 145, MedGen C0677776, MeSH D061325, MONDO:0003582. Disease mechanism: loss of function.

Submissions (3):

Ambry Genetics
Classification: Uncertain significance for Hereditary cancer-predisposing syndrome. Last evaluated: 2025-08-21. Review status: criteria provided, single submitter. Criteria: Ambry Variant Classification Scheme 2023. Collection method: clinical testing. Allele origin: germline.
Comment: The p.E648K variant (also known as c.1942G>A), located in coding exon 9 of the BRCA1 gene, results from a G to A substitution at nucleotide position 1942. The glutamic acid at codon 648 is replaced by lysine, an amino acid with similar properties. This amino acid position is conserved. In addition, this alteration is predicted to be deleterious by in silico analysis. Based on the available evidence, the clinical significance of this variant remains unclear.

University of Washington Department of Laboratory Medicine, University of Washington
Classification: Likely benign for Hereditary cancer-predisposing syndrome. Last evaluated: 2023-03-23. Review status: criteria provided, single submitter. Criteria: Dines et al. (Genet Med. 2020). Collection method: curation. Allele origin: germline.
Comment: Missense variant in a coldspot region where missense variants are very unlikely to be pathogenic (PMID:31911673).

BRCA1 coldspot (exon 11 using historical exon numbering). Reclassification based on statistical prior probability

Labcorp Genetics (formerly Invitae), Labcorp
Classification: Uncertain significance for Hereditary breast ovarian cancer syndrome. Last evaluated: 2022-10-16. Review status: criteria provided, single submitter. Criteria: Invitae Variant Classification Sherloc (09022015). Collection method: clinical testing. Allele origin: germline.
Comment: This sequence change replaces glutamic acid, which is acidic and polar, with lysine, which is basic and polar, at codon 648 of the BRCA1 protein (p.Glu648Lys). This variant is not present in population databases (gnomAD no frequency). This variant has not been reported in the literature in individuals affected with BRCA1-related conditions. Advanced modeling of protein sequence and biophysical properties (such as structural, functional, and spatial information, amino acid conservation, physicochemical variation, residue mobility, and thermodynamic stability) has been performed at Invitae for this missense variant, however the output from this modeling did not meet the statistical confidence thresholds required to predict the impact of this variant on BRCA1 protein function. In summary, the available evidence is currently insufficient to determine the role of this variant in disease. Therefore, it has been classified as a Variant of Uncertain Significance.